The following is an entry in ClinVar:

ClinVar aggregate classification (germline): Uncertain significance (1 of 4 stars; one submission).

Submission:

Labcorp Genetics (formerly Invitae), Labcorp
Classification: Uncertain significance. Last evaluated: 2022-04-25. Review status: criteria provided, single submitter. Criteria: Invitae Variant Classification Sherloc (09022015). Collection method: clinical testing. Allele origin: germline.
Comment: This variant is a gross deletion of the genomic region encompassing exon(s) 4-7 of the C17orf62 gene, which includes the termination codon. This deletion extends beyond the assayed region for this gene and therefore may encompass additional genes. While this deletion is not anticipated to lead to nonsense mediated decay, it is expected to alter mRNA translation or result in a truncated protein product. This variant has not been reported in the literature in individuals affected with C17orf62-related conditions. In summary, the available evidence is currently insufficient to determine the role of this variant in disease. Therefore, it has been classified as a Variant of Uncertain Significance.

NC_000017.10:g.(?_80401880)_(80404592_?)del

Gene: CYBC1 (cytochrome b-245 chaperone 1; minus strand). Cytogenetic location: 17q25.3.
Variant type: Deletion.
Identifiers: ClinVar variation 2423507 (VCV002423507.4).